The following is an entry in ClinVar:

ClinVar aggregate classification (germline): Uncertain significance. Review status: criteria provided, single submitter (1 of 4 stars). 2 submissions from 2 submitters: Uncertain significance (1). 1 of the submissions does not count toward it. Last evaluated 2025-08-23.

Conditions:
MYO9B-related disorder. Also called: MYO9B-related condition.

Allele frequency attached by ClinVar (database versions not stated): gnomAD 0.00003; gnomAD exomes 0.00014; 1000 Genomes Project 0.00020; 1000 Genomes Project 30x 0.00031; TOPMed 0.00031; ExAC 0.00115.
gnomAD v4.1: 198 of 1,596,152 alleles (0.012%); highest among the groups gnomAD compares: Admixed American, 0.32%; 2 homozygotes.

Submissions (2):

Ambry Genetics
Classification: Uncertain significance. Last evaluated: 2025-08-23. Review status: criteria provided, single submitter. Criteria: Ambry Variant Classification Scheme 2023. Collection method: clinical testing. Allele origin: germline.

PreventionGenetics, part of Exact Sciences
Classification: Likely benign for MYO9B-related condition. Last evaluated: 2019-04-29. Review status: no assertion criteria provided. Collection method: clinical testing. Allele origin: germline. Not counted in ClinVar's aggregate classification.
Comment: This variant is classified as likely benign based on ACMG/AMP sequence variant interpretation guidelines (Richards et al. 2015 PMID: 25741868, with internal and published modifications).

NM_004145.4(MYO9B):c.44C>T (p.Ala15Val)

Gene: MYO9B (myosin IXB; plus strand). Cytogenetic location: 19p13.11.
Variant type: single nucleotide variant.
Coding change: c.44C>T on transcript NM_004145.4 (MANE Select); coding-DNA position 44, C replaced by T.
Protein change: p.Ala15Val; replaces alanine 15 with valine.
Molecular consequence: missense variant.
Genome position (GRCh38, 1-based): chr19:17,101,761, C>T. VCF-style: chr19-17101761-C-T. GRCh37 (hg19) VCF-style: chr19-17212571-C-T.
Other names: c.44C>T, p.Ala15Val (NM_001130065.2); c.44C>T (NM_004145.3); short protein forms A15V.
Identifiers: ClinVar variation 3057127 (VCV003057127.3), dbSNP rs201901797, ClinGen allele CA9286880.